The following is an entry in ClinVar:

ClinVar aggregate classification (germline): Uncertain significance. Review status: criteria provided, multiple submitters, no conflicts (2 of 4 stars). 2 submissions from 2 submitters: Uncertain significance (2). Last evaluated 2025-01-28.

Conditions:
Cardiovascular phenotype. Identifiers: MedGen CN230736.

gnomAD v4.1: 19 of 1,609,458 alleles (0.0012%); highest among the groups gnomAD compares: Non-Finnish European, 0.0015%; no homozygotes.

Submissions (2):

Ambry Genetics
Classification: Uncertain significance for Cardiovascular phenotype. Last evaluated: 2025-01-28. Review status: criteria provided, single submitter. Criteria: Ambry Variant Classification Scheme 2023. Collection method: clinical testing. Allele origin: germline.
Comment: The p.E207D variant (also known as c.621G>C), located in coding exon 3 of the APOA1 gene, results from a G to C substitution at nucleotide position 621. The glutamic acid at codon 207 is replaced by aspartic acid, an amino acid with highly similar properties. This amino acid position is conserved. In addition, this alteration is predicted to be tolerated by in silico analysis. Based on the available evidence, the clinical significance of this variant remains unclear.

Labcorp Genetics (formerly Invitae), Labcorp
Classification: Uncertain significance. Last evaluated: 2024-01-04. Review status: criteria provided, single submitter. Criteria: Invitae Variant Classification Sherloc (09022015). Collection method: clinical testing. Allele origin: germline.
Comment: This sequence change replaces glutamic acid, which is acidic and polar, with aspartic acid, which is acidic and polar, at codon 207 of the APOA1 protein (p.Glu207Asp). This variant is not present in population databases (gnomAD no frequency). This variant has not been reported in the literature in individuals affected with APOA1-related conditions. Advanced modeling of protein sequence and biophysical properties (such as structural, functional, and spatial information, amino acid conservation, physicochemical variation, residue mobility, and thermodynamic stability) performed at Invitae indicates that this missense variant is not expected to disrupt APOA1 protein function with a negative predictive value of 80%. In summary, the available evidence is currently insufficient to determine the role of this variant in disease. Therefore, it has been classified as a Variant of Uncertain Significance.

NM_000039.3(APOA1):c.621G>C (p.Glu207Asp)

Gene: APOA1 (apolipoprotein A1; minus strand). Cytogenetic location: 11q23.3.
Variant type: single nucleotide variant.
Coding change: c.621G>C on transcript NM_000039.3 (MANE Select); coding-DNA position 621, G replaced by C.
Protein change: p.Glu207Asp; replaces glutamic acid 207 with aspartic acid.
Molecular consequence: missense variant.
Genome position (GRCh38, 1-based): chr11:116,835,991, C>G on the plus strand (G>C on the coding strand, the complement: APOA1 is on the minus strand). VCF-style: chr11-116835991-C-G. GRCh37 (hg19) VCF-style: chr11-116706707-C-G.
Other names: c.621G>C, p.Glu207Asp (NM_001318018.2, NM_001425090.1, NM_001318017.2); c.294G>C, p.Glu98Asp (NM_001318021.2, NM_001425091.1, NM_001425092.1); c.576G>C, p.Glu192Asp (NM_001425093.1); short protein forms E207D, E98D, E192D.
Identifiers: ClinVar variation 2808039 (VCV002808039.4), dbSNP rs751207751, ClinGen allele CA382714919.
Genomic context (GRCh38, chr11:116,835,991, plus strand): 5'-GAGCGTGCTCAGATGCTCGGTGGCCTTGGCGTGGTACTCGGCCAGTCTGGCGCCGCCGTT[C>G]TCCTTGAGAGCCTCAAGGCGCGCGGCCAAGCGCTGGCGCAGCTCGTCGCTGTAGGGGGCC-3'
Protein context (NP_000030.1, residues 197-217): RLAARLEALK[Glu207Asp]NGGARLAEYH